The following is an entry in ClinVar:

ClinVar aggregate classification (germline): Uncertain significance. Review status: criteria provided, multiple submitters, no conflicts (2 of 4 stars). 2 submissions from 2 submitters: Uncertain significance (2). Last evaluated 2025-02-10.

Conditions:
Wolman disease (WOLD). Also called: Acid cholesteryl ester hydrolase deficiency, Wolman type; Acid lipase disease; Wolman disease, CESD; Wolman disease with hypolipoproteinemia and acanthocytosis; LYSOSOMAL ACID LIPASE DEFICIENCY, ACUTE INFANTILE; LYSOSOMAL ACID LIPASE DEFICIENCY, COMPLETE. Identifiers: Orphanet 75233, MedGen C0043208, MONDO:0019148, OMIM 620151.
Cardiovascular phenotype. Identifiers: MedGen CN230736.

Allele frequency attached by ClinVar (database versions not stated): gnomAD exomes below 0.00001; TOPMed 0.00002.
gnomAD v4.1: 2 of 1,613,652 alleles (0.00012%); highest among the groups gnomAD compares: Admixed American, 0.0033%; no homozygotes.

Submissions (2):

Ambry Genetics
Classification: Uncertain significance for Cardiovascular phenotype. Last evaluated: 2025-02-10. Review status: criteria provided, single submitter. Criteria: Ambry Variant Classification Scheme 2023. Collection method: clinical testing. Allele origin: germline.
Comment: The p.C257Y variant (also known as c.770G>A), located in coding exon 6 of the LIPA gene, results from a G to A substitution at nucleotide position 770. The cysteine at codon 257 is replaced by tyrosine, an amino acid with highly dissimilar properties. This amino acid position is highly conserved in available vertebrate species. In addition, this alteration is predicted to be deleterious by in silico analysis. Based on the available evidence, the clinical significance of this variant remains unclear.

Labcorp Genetics (formerly Invitae), Labcorp
Classification: Uncertain significance for Wolman disease. Last evaluated: 2022-03-12. Review status: criteria provided, single submitter. Criteria: Invitae Variant Classification Sherloc (09022015). Collection method: clinical testing. Allele origin: germline.
Comment: This sequence change replaces cysteine, which is neutral and slightly polar, with tyrosine, which is neutral and polar, at codon 257 of the LIPA protein (p.Cys257Tyr). This variant is present in population databases (no rsID available, gnomAD 0.006%). This variant has not been reported in the literature in individuals affected with LIPA-related conditions. Advanced modeling of protein sequence and biophysical properties (such as structural, functional, and spatial information, amino acid conservation, physicochemical variation, residue mobility, and thermodynamic stability) performed at Invitae indicates that this missense variant is expected to disrupt LIPA protein function. In summary, the available evidence is currently insufficient to determine the role of this variant in disease. Therefore, it has been classified as a Variant of Uncertain Significance.

NM_000235.4(LIPA):c.770G>A (p.Cys257Tyr)

Gene: LIPA (lipase A, lysosomal acid type; minus strand). Cytogenetic location: 10q23.31.
Variant type: single nucleotide variant.
Coding change: c.770G>A on transcript NM_000235.4 (MANE Select); coding-DNA position 770, G replaced by A.
Protein change: p.Cys257Tyr; replaces cysteine 257 with tyrosine.
Molecular consequence: missense variant.
Genome position (GRCh38, 1-based): chr10:89,223,736, C>T on the plus strand (G>A on the coding strand, the complement: LIPA is on the minus strand). VCF-style: chr10-89223736-C-T. GRCh37 (hg19) VCF-style: chr10-90983493-C-T.
Other names: c.770G>A (NM_000235.2); c.422G>A, p.Cys141Tyr (NM_001288979.2); c.770G>A, p.Cys257Tyr (NM_001127605.3); short protein forms C257Y, C141Y.
Identifiers: ClinVar variation 2168155 (VCV002168155.2), dbSNP rs1356337720, ClinGen allele CA377516930.